The following is an entry in ClinVar:

NM_020207.7(ERCC6L2):c.2657C>T (p.Thr886Ile)

Gene: ERCC6L2 (ERCC excision repair 6 like 2; plus strand). Cytogenetic location: 9q22.32.
Variant type: single nucleotide variant.
Coding change: c.2657C>T on transcript NM_020207.7 (MANE Select); coding-DNA position 2657, C replaced by T.
Protein change: p.Thr886Ile; replaces threonine 886 with isoleucine.
Molecular consequence: missense variant. On other transcripts: non-coding transcript variant (1).
Genome position (GRCh38, 1-based): chr9:95,972,408, C>T. VCF-style: chr9-95972408-C-T. GRCh37 (hg19) VCF-style: chr9-98734690-C-T.
Other names: c.2657C>T, p.Thr886Ile (NM_001375291.1, NM_001375292.1, NM_001375293.1 and 1 more transcripts); short protein forms T886I.
Identifiers: ClinVar variation 1675071 (VCV001675071.3), dbSNP rs1180420541, ClinGen allele CA589285376.

ClinVar aggregate classification (germline): Uncertain significance. Review status: criteria provided, multiple submitters, no conflicts (2 of 4 stars). 2 submissions from 2 submitters: Uncertain significance (2). Last evaluated 2026-01-24.

Conditions:
Pancytopenia-developmental delay syndrome. Also called: Bone marrow failure syndrome 2. Identifiers: Orphanet 401764, MedGen C3810350, MONDO:0014317, OMIM 615715.

Allele frequency attached by ClinVar (database versions not stated): TOPMed 0.00002; gnomAD exomes 0.00003 and 0.00007.

Submissions (2):

Labcorp Genetics (formerly Invitae), Labcorp
Classification: Uncertain significance. Last evaluated: 2026-01-24. Review status: criteria provided, single submitter. Criteria: Invitae Variant Classification Sherloc (09022015). Collection method: clinical testing. Allele origin: germline.
Comment: This sequence change replaces threonine, which is neutral and polar, with isoleucine, which is neutral and non-polar, at codon 897 of the ERCC6L2 protein (p.Thr897Ile). This variant is present in population databases (no rsID available, gnomAD 0.04%). This variant has not been reported in the literature in individuals affected with ERCC6L2-related conditions. ClinVar contains an entry for this variant (Variation ID: 1675071). Experimental studies and prediction algorithms are not available or were not evaluated, and the functional significance of this variant is currently unknown. In summary, the available evidence is currently insufficient to determine the role of this variant in disease. Therefore, it has been classified as a Variant of Uncertain Significance.

Center for Genomics, Ann and Robert H. Lurie Children's Hospital of Chicago
Classification: Uncertain significance for Pancytopenia-developmental delay syndrome. Last evaluated: 2021-03-30. Review status: criteria provided, single submitter. Criteria: ACMG Guidelines, 2015. Collection method: clinical testing. Allele origin: germline.
Comment: ERCC6L2 NM_020207.4 exon 16 p.Thr897Ile (c.2690C>T): This variant has not been reported in the literature and is not present in large control databases. Evolutionary conservation and computational predictive tools for this variant are limited or unavailable. In summary, data on this variant is insufficient for disease classification. Therefore, the clinical significance of this variant is uncertain.